The following is an entry in ClinVar:

NM_001035.3(RYR2):c.4160+313G>A

Gene: RYR2 (ryanodine receptor 2; plus strand). Cytogenetic location: 1q43.
Variant type: single nucleotide variant.
Coding change: c.4160+313G>A on transcript NM_001035.3 (MANE Select); 313 bases into the intron after coding-DNA position 4160, G replaced by A.
Molecular consequence: intron variant.
Genome position (GRCh38, 1-based): chr1:237,591,305, G>A. VCF-style: chr1-237591305-G-A. GRCh37 (hg19) VCF-style: chr1-237754605-G-A.
Identifiers: ClinVar variation 683781 (VCV000683781.1), dbSNP rs2779428, ClinGen allele CA10827236.
Genomic context (GRCh38, chr1:237,591,305, plus strand): 5'-GCAAAGGATGCTGTAGGGAAAAATTAAGCAACCTGTTAGTCATCTAATTTGTTAGCGTAG[G>A]TGCAATCTATCTCAAGAGTTACTTTTTAAGATGTCTGTGTTTACATTCTTGCCTGAAACT-3'

ClinVar aggregate classification (germline): Benign (1 of 4 stars; one submission).

Allele frequency attached by ClinVar (database versions not stated): 1000 Genomes Project 30x 0.33011; 1000 Genomes Project 0.33806; TOPMed 0.39472; gnomAD 0.39480 and 0.39482.
gnomAD v4.1: 59,054 of 149,312 alleles (40%); highest among the groups gnomAD compares: Admixed American, 50%; 13,257 homozygotes.

Submission:

GeneDx
Classification: Benign. Last evaluated: 2018-06-18. Review status: criteria provided, single submitter. Criteria: GeneDx Variant Classification (06012015). Collection method: clinical testing. Allele origin: germline. Affected: yes.
Comment: This variant is considered likely benign or benign based on one or more of the following criteria: it is a conservative change, it occurs at a poorly conserved position in the protein, it is predicted to be benign by multiple in silico algorithms, and/or has population frequency not consistent with disease.